The following is an entry in ClinVar:

ClinVar aggregate classification (germline): Uncertain significance (1 of 4 stars; one submission).

Conditions:
Cohen syndrome (COH1). Also called: PEPPER SYNDROME; Cutis verticis gyrata, retinitis pigmentosa, and sensorineural deafness. Identifiers: Orphanet 193, MedGen C0265223, MONDO:0008999, OMIM 216550.

Submission:

Labcorp Genetics (formerly Invitae), Labcorp
Classification: Uncertain significance for Cohen syndrome. Last evaluated: 2019-02-01. Review status: criteria provided, single submitter. Criteria: Invitae Variant Classification Sherloc (09022015). Collection method: clinical testing. Allele origin: germline.
Comment: This sequence change replaces threonine with serine at codon 2451 of the VPS13B protein (p.Thr2451Ser). The threonine residue is weakly conserved and there is a small physicochemical difference between threonine and serine. This variant is not present in population databases (ExAC no frequency). This variant has not been reported in the literature in individuals with VPS13B-related conditions. Algorithms developed to predict the effect of missense changes on protein structure and function (SIFT, PolyPhen-2, Align-GVGD) all suggest that this variant is likely to be tolerated, but these predictions have not been confirmed by published functional studies and their clinical significance is uncertain. Algorithms developed to predict the effect of sequence changes on RNA splicing suggest that this variant may create or strengthen a splice site, but this prediction has not been confirmed by published transcriptional studies. In summary, the available evidence is currently insufficient to determine the role of this variant in disease. Therefore, it has been classified as a Variant of Uncertain Significance.

NM_152564.5(VPS13B):c.7277C>G (p.Thr2426Ser)

Gene: VPS13B (vacuolar protein sorting 13 homolog B; plus strand). Cytogenetic location: 8q22.2.
Variant type: single nucleotide variant.
Coding change: c.7277C>G on transcript NM_152564.5 (MANE Select); coding-DNA position 7277, C replaced by G.
Protein change: p.Thr2426Ser; replaces threonine 2426 with serine.
Molecular consequence: missense variant.
Genome position (GRCh38, 1-based): chr8:99,776,804, C>G. VCF-style: chr8-99776804-C-G. GRCh37 (hg19) VCF-style: chr8-100789032-C-G.
Other names: c.7352C>G, p.Thr2451Ser (NM_017890.5); short protein forms T2451S, T2426S.
Identifiers: ClinVar variation 844070 (VCV000844070.1), dbSNP rs1811763232, ClinGen allele CA371875599.